The following is an entry in ClinVar:

ClinVar aggregate classification (germline): Pathogenic/Likely pathogenic. Review status: criteria provided, multiple submitters, no conflicts (2 of 4 stars). 4 submissions from 4 submitters: Pathogenic (3); Likely pathogenic (1). Last evaluated 2023-10-27.

Conditions:
Hereditary cancer-predisposing syndrome. Also called: Hereditary Cancer Syndrome; Neoplastic Syndromes, Hereditary; Hereditary neoplastic syndrome; Tumor predisposition. Identifiers: Orphanet 140162, MedGen C0027672, MeSH D009386, MONDO:0015356.
Lynch syndrome. Identifiers: Orphanet 144, MedGen C4552100, MONDO:0005835. Disease mechanism: loss of function.
Lynch syndrome 5 (LYNCH5). Also called: Hereditary non-polyposis colorectal cancer, type 5; Colorectal cancer, hereditary nonpolyposis, type 5. Identifiers: Orphanet 144, MedGen C1833477, MONDO:0013710, OMIM 614350. Disease mechanism: loss of function.

Submissions (4):

All of Us Research Program, National Institutes of Health
Classification: Pathogenic for Lynch syndrome. Last evaluated: 2023-10-27. Review status: criteria provided, single submitter. Criteria: ACMG Guidelines, 2015. Collection method: clinical testing. Allele origin: germline. Inheritance: Autosomal dominant inheritance. Observed: 1 variant allele, 1 heterozygote.
Comment: This variant deletes 3 nucleotides AAG and inserts 3 new nucleotides GAT in exon 5 of the MSH6 gene, creating a premature translation stop signal. This variant is expected to result in an absent or non-functional protein product. To our knowledge, this variant has not been reported in individuals affected with MSH6-related disorders in the literature. This variant has not been identified in the general population by the Genome Aggregation Database (gnomAD). Loss of MSH6 function is a known mechanism of disease. Based on the available evidence, this variant is classified as Pathogenic.

This study involves interpretation of variants in research participants for the purpose of population health screening. Participant phenotype was not available at the time of variant classification. Additional details can be found in publication PMID: 35346344, PMCID: PMC8962531

Myriad Genetics, Inc.
Classification: Pathogenic for Lynch syndrome 5. Last evaluated: 2023-08-22. Review status: criteria provided, single submitter. Criteria: Myriad Autosomal Dominant, Autosomal Recessive and X-Linked Classification Criteria (2023). Collection method: clinical testing. Allele origin: unknown.
Comment: This variant is considered pathogenic. This variant creates a termination codon and is predicted to result in premature protein truncation.

Color Diagnostics, LLC DBA Color Health
Classification: Pathogenic for Hereditary cancer-predisposing syndrome. Last evaluated: 2023-05-22. Review status: criteria provided, single submitter. Criteria: ACMG Guidelines, 2015. Collection method: clinical testing. Allele origin: germline.
Comment: This variant deletes 3 nucleotides AAG and inserts 3 new nucleotides GAT in exon 5 of the MSH6 gene, creating a premature translation stop signal. This variant is expected to result in an absent or non-functional protein product. To our knowledge, this variant has not been reported in individuals affected with MSH6-related disorders in the literature. This variant has not been identified in the general population by the Genome Aggregation Database (gnomAD). Loss of MSH6 function is a known mechanism of disease. Based on the available evidence, this variant is classified as Pathogenic.

Ambry Genetics
Classification: Likely pathogenic for Hereditary cancer-predisposing syndrome. Last evaluated: 2017-01-10. Review status: criteria provided, single submitter. Criteria: Ambry Variant Classification Scheme 2023. Collection method: clinical testing. Allele origin: germline.
Comment: The c.3356_3358delAAGinsGAT variant, located in coding exon 5 of the MSH6 gene, results from an in-frame deletion of AAG and insertion of GAT between nucleotide positions 3356 and 3358. This changes the glutamate at codon 1120 to a stop codon within coding exon 5. This nucleotide region is well conserved in available vertebrate species. Based on the majority of available evidence to date, this variant is likely to be pathogenic.

NM_000179.3(MSH6):c.3356_3358delinsGAT (p.Glu1119_Glu1120delinsGlyTer)

Gene: MSH6 (mutS homolog 6; plus strand). Cytogenetic location: 2p16.3.
Variant type: Indel.
Coding change: c.3356_3358delinsGAT on transcript NM_000179.3 (MANE Select); coding-DNA positions 3356 to 3358, AAG replaced by GAT.
Protein change: p.Glu1119_Glu1120delinsGlyTer.
Molecular consequence: nonsense.
Genome position (GRCh38, 1-based): chr2:47,803,603-47,803,605, AAG replaced by GAT. VCF-style: chr2-47803603-AAG-GAT. GRCh37 (hg19) VCF-style: chr2-48030742-AAG-GAT.
Other names: c.2966_2968delinsGAT, p.Glu989_Glu990delinsGlyTer (NM_001281492.2); c.2450_2452delinsGAT, p.Glu817_Glu818delinsGlyTer (NM_001281493.2, NM_001281494.2); c.3356_3358delAAGinsGAT (NM_000179.2).
Identifiers: ClinVar variation 428297 (VCV000428297.8), dbSNP rs1114167695, ClinGen allele CA645369286.